The following is an entry in ClinVar:

ClinVar aggregate classification (germline): Uncertain significance (1 of 4 stars; one submission).

Allele frequency attached by ClinVar (database versions not stated): gnomAD exomes below 0.00001.
gnomAD v4.1: 2 of 1,595,766 alleles (0.00013%); highest among the groups gnomAD compares: Admixed American, 0.0018%; no homozygotes.

Submission:

Labcorp Genetics (formerly Invitae), Labcorp
Classification: Uncertain significance. Last evaluated: 2023-07-17. Review status: criteria provided, single submitter. Criteria: Invitae Variant Classification Sherloc (09022015). Collection method: clinical testing. Allele origin: germline.
Comment: This sequence change replaces proline, which is neutral and non-polar, with arginine, which is basic and polar, at codon 599 of the DHX37 protein (p.Pro599Arg). This variant is present in population databases (no rsID available, gnomAD 0.003%). This variant has not been reported in the literature in individuals affected with DHX37-related conditions. ClinVar contains an entry for this variant (Variation ID: 2025750). Advanced modeling of protein sequence and biophysical properties (such as structural, functional, and spatial information, amino acid conservation, physicochemical variation, residue mobility, and thermodynamic stability) performed at Invitae indicates that this missense variant is not expected to disrupt DHX37 protein function. In summary, the available evidence is currently insufficient to determine the role of this variant in disease. Therefore, it has been classified as a Variant of Uncertain Significance.

NM_032656.4(DHX37):c.1796C>G (p.Pro599Arg)

Gene: DHX37 (DEAH-box helicase 37; minus strand). Cytogenetic location: 12q24.31.
Variant type: single nucleotide variant.
Coding change: c.1796C>G on transcript NM_032656.4 (MANE Select); coding-DNA position 1796, C replaced by G.
Protein change: p.Pro599Arg; replaces proline 599 with arginine.
Molecular consequence: missense variant.
Genome position (GRCh38, 1-based): chr12:124,964,946, G>C on the plus strand (C>G on the coding strand, the complement: DHX37 is on the minus strand). VCF-style: chr12-124964946-G-C. GRCh37 (hg19) VCF-style: chr12-125449492-G-C.
Other names: short protein forms P599R.
Identifiers: ClinVar variation 2025750 (VCV002025750.4), dbSNP rs1323620822, ClinGen allele CA387224915.